The following is an entry in ClinVar:

NM_001408.3(CELSR2):c.1976C>T (p.Thr659Ile)

Gene: CELSR2 (cadherin EGF LAG seven-pass G-type receptor 2; plus strand). Cytogenetic location: 1p13.3.
Variant type: single nucleotide variant.
Coding change: c.1976C>T on transcript NM_001408.3 (MANE Select); coding-DNA position 1976, C replaced by T.
Protein change: p.Thr659Ile; replaces threonine 659 with isoleucine.
Molecular consequence: missense variant.
Genome position (GRCh38, 1-based): chr1:109,252,055, C>T. VCF-style: chr1-109252055-C-T. GRCh37 (hg19) VCF-style: chr1-109794677-C-T.
Other names: c.1976C>T (NM_001408.2); short protein forms T659I.
Identifiers: ClinVar variation 1911630 (VCV001911630.6), dbSNP rs1570774821, ClinGen allele CA341486575.

ClinVar aggregate classification (germline): Uncertain significance. Review status: criteria provided, multiple submitters, no conflicts (2 of 4 stars). 2 submissions from 2 submitters: Uncertain significance (2). Last evaluated 2024-12-17.

Allele frequency attached by ClinVar (database versions not stated): gnomAD exomes below 0.00001; TOPMed below 0.00001.

Submissions (2):

Ambry Genetics
Classification: Uncertain significance. Last evaluated: 2024-12-17. Review status: criteria provided, single submitter. Criteria: Ambry Variant Classification Scheme 2023. Collection method: clinical testing. Allele origin: germline.

Labcorp Genetics (formerly Invitae), Labcorp
Classification: Uncertain significance. Last evaluated: 2023-10-03. Review status: criteria provided, single submitter. Criteria: Invitae Variant Classification Sherloc (09022015). Collection method: clinical testing. Allele origin: germline.
Comment: This sequence change replaces threonine, which is neutral and polar, with isoleucine, which is neutral and non-polar, at codon 659 of the CELSR2 protein (p.Thr659Ile). This variant is not present in population databases (gnomAD no frequency). This variant has not been reported in the literature in individuals affected with CELSR2-related conditions. ClinVar contains an entry for this variant (Variation ID: 1911630). Advanced modeling of protein sequence and biophysical properties (such as structural, functional, and spatial information, amino acid conservation, physicochemical variation, residue mobility, and thermodynamic stability) performed at Invitae indicates that this missense variant is not expected to disrupt CELSR2 protein function. In summary, the available evidence is currently insufficient to determine the role of this variant in disease. Therefore, it has been classified as a Variant of Uncertain Significance.